The following is an entry in ClinVar:

NM_000051.4(ATM):c.6198+3A>C

Genes: ATM (ATM serine/threonine kinase; plus strand), C11orf65 (chromosome 11 open reading frame 65; minus strand). Cytogenetic location: 11q22.3.
Variant type: single nucleotide variant.
Coding change: c.6198+3A>C on transcript NM_000051.4 (MANE Select); 3 bases into the intron after coding-DNA position 6198, A replaced by C.
Molecular consequence: intron variant.
Genome position (GRCh38, 1-based): chr11:108,316,116, A>C. VCF-style: chr11-108316116-A-C. GRCh37 (hg19) VCF-style: chr11-108186843-A-C.
Other names: c.6198+3A>C (NM_001351834.2); c.641-7045T>G (NM_001330368.2); c.*39-7045T>G (NM_001351110.2).
Identifiers: ClinVar variation 1394927 (VCV001394927.11), dbSNP rs786202092, ClinGen allele CA2573146621.
Genomic context (GRCh38, chr11:108,316,116, plus strand): 5'-AACATATGACCTCGAAACAGCAATCCCCTCATCAACACGCCAGGCAGGAATCATTCAGGT[A>C]CATTTTTTCCCAGATTTGGTAAAGCCATCACTAGTGTAGTGCTGAGGTTATTTCAGTATG-3'

ClinVar aggregate classification (germline): Conflicting classifications of pathogenicity. Review status: criteria provided, conflicting classifications (1 of 4 stars). 3 submissions from 3 submitters: Likely pathogenic (1); Uncertain significance (2). Last evaluated 2025-03-27.

Conditions:
Ataxia-telangiectasia syndrome (AT). Also called: Ataxia-telangiectasia; LOUIS-BAR SYNDROME; Ataxia-telangiectasia, complementation group D; AT, COMPLEMENTATION GROUP C; ATAXIA-TELANGIECTASIA, COMPLEMENTATION GROUP A; ATAXIA-TELANGIECTASIA, FRESNO VARIANT. Identifiers: Orphanet 100, MedGen C0004135, MONDO:0008840, OMIM 208900.
Hereditary cancer-predisposing syndrome. Also called: Tumor predisposition; Neoplastic Syndromes, Hereditary; Hereditary Cancer Syndrome; Hereditary neoplastic syndrome. Identifiers: Orphanet 140162, MedGen C0027672, MeSH D009386, MONDO:0015356.

gnomAD v4.1: 2 of 1,613,540 alleles (0.00012%); highest among the groups gnomAD compares: Non-Finnish European, 0.00017%; no homozygotes.

Submissions (3):

Ambry Genetics
Classification: Likely pathogenic for Hereditary cancer-predisposing syndrome. Last evaluated: 2025-03-27. Review status: criteria provided, single submitter. Criteria: Ambry Variant Classification Scheme 2023. Collection method: clinical testing. Allele origin: germline.
Comment: The c.6198+3A>C intronic variant results from an A to C substitution 3 nucleotides after coding exon 41 in the ATM gene. This nucleotide position is not well conserved in available vertebrate species. In silico splice site analysis predicts that this alteration will weaken the native splice donor site. RNA studies have demonstrated that this alteration results in abnormal splicing in the set of samples tested (Ambry internal data). Based on the majority of available evidence to date, this variant is likely to be pathogenic.

GeneDx
Classification: Uncertain significance. Last evaluated: 2024-04-01. Review status: criteria provided, single submitter. Criteria: GeneDx Variant Classification Process June 2021. Collection method: clinical testing. Allele origin: germline. Affected: yes.
Comment: Not observed at significant frequency in large population cohorts (gnomAD); In silico analysis supports a deleterious effect on splicing; Has not been previously published as pathogenic or benign to our knowledge

Labcorp Genetics (formerly Invitae), Labcorp
Classification: Uncertain significance for Ataxia-telangiectasia syndrome. Last evaluated: 2022-01-06. Review status: criteria provided, single submitter. Criteria: Invitae Variant Classification Sherloc (09022015). Collection method: clinical testing. Allele origin: germline.
Comment: In summary, the available evidence is currently insufficient to determine the role of this variant in disease. Therefore, it has been classified as a Variant of Uncertain Significance. Variants that disrupt the consensus splice site are a relatively common cause of aberrant splicing (PMID: 17576681, 9536098). Algorithms developed to predict the effect of sequence changes on RNA splicing suggest that this variant may disrupt the consensus splice site. This variant has not been reported in the literature in individuals affected with ATM-related conditions. This variant is not present in population databases (gnomAD no frequency). This sequence change falls in intron 42 of the ATM gene. It does not directly change the encoded amino acid sequence of the ATM protein. It affects a nucleotide within the consensus splice site.

Literature cited by the submitters: PubMed 17576681 (cited by Labcorp Genetics (formerly Invitae), Labcorp); PubMed 9536098 (cited by Labcorp Genetics (formerly Invitae), Labcorp).